The following is an entry in ClinVar:

NM_006282.5(STK4):c.563C>T (p.Pro188Leu)

Gene: STK4 (serine/threonine kinase 4; plus strand). Cytogenetic location: 20q13.12.
Variant type: single nucleotide variant.
Coding change: c.563C>T on transcript NM_006282.5 (MANE Select); coding-DNA position 563, C replaced by T.
Protein change: p.Pro188Leu; replaces proline 188 with leucine.
Molecular consequence: missense variant.
Genome position (GRCh38, 1-based): chr20:44,995,127, C>T. VCF-style: chr20-44995127-C-T. GRCh37 (hg19) VCF-style: chr20-43623768-C-T.
Other names: c.563C>T, p.Pro188Leu (NM_001352385.2); short protein forms P188L.
Identifiers: ClinVar variation 2067438 (VCV002067438.4), dbSNP rs2515627920, ClinGen allele CA409124590.

ClinVar aggregate classification (germline): Uncertain significance (1 of 4 stars; one submission).

Conditions:
Combined immunodeficiency due to STK4 deficiency (IMD110). Also called: STK4 DEFICIENCY; MST1 DEFICIENCY; T-cell immunodeficiency, recurrent infections, and autoimmunity with or without cardiac malformations. Identifiers: Orphanet 314689, MedGen C3553943, MONDO:0013934, OMIM 614868.

Submission:

Labcorp Genetics (formerly Invitae), Labcorp
Classification: Uncertain significance for Combined immunodeficiency due to STK4 deficiency. Last evaluated: 2022-05-07. Review status: criteria provided, single submitter. Criteria: Invitae Variant Classification Sherloc (09022015). Collection method: clinical testing. Allele origin: germline.
Comment: This variant is not present in population databases (gnomAD no frequency). In summary, the available evidence is currently insufficient to determine the role of this variant in disease. Therefore, it has been classified as a Variant of Uncertain Significance. Advanced modeling of protein sequence and biophysical properties (such as structural, functional, and spatial information, amino acid conservation, physicochemical variation, residue mobility, and thermodynamic stability) performed at Invitae indicates that this missense variant is expected to disrupt STK4 protein function. This variant has not been reported in the literature in individuals affected with STK4-related conditions. This sequence change replaces proline, which is neutral and non-polar, with leucine, which is neutral and non-polar, at codon 188 of the STK4 protein (p.Pro188Leu).